The following is an entry in ClinVar:

ClinVar aggregate classification (germline): Uncertain significance. Review status: criteria provided, multiple submitters, no conflicts (2 of 4 stars). 2 submissions from 2 submitters: Uncertain significance (2). Last evaluated 2025-07-16.

Conditions:
Inborn genetic diseases. Identifiers: MedGen C0950123, MeSH D030342.
Aortic valve disease 2 (AOVD2). Identifiers: MedGen C3542024, MONDO:0013902, OMIM 614823.

Allele frequency attached by ClinVar (database versions not stated): ExAC 0.00001; gnomAD exomes 0.00001.

Submissions (2):

Labcorp Genetics (formerly Invitae), Labcorp
Classification: Uncertain significance for Aortic valve disease 2. Last evaluated: 2025-07-16. Review status: criteria provided, single submitter. Criteria: Invitae Variant Classification Sherloc (09022015). Collection method: clinical testing. Allele origin: germline.
Comment: This sequence change replaces isoleucine, which is neutral and non-polar, with valine, which is neutral and non-polar, at codon 410 of the SMAD6 protein (p.Ile410Val). This variant is present in population databases (rs745560706, gnomAD 0.007%). This variant has not been reported in the literature in individuals affected with SMAD6-related conditions. ClinVar contains an entry for this variant (Variation ID: 2516364). Invitae Evidence Modeling of protein sequence and biophysical properties (such as structural, functional, and spatial information, amino acid conservation, physicochemical variation, residue mobility, and thermodynamic stability) indicates that this missense variant is not expected to disrupt SMAD6 protein function with a negative predictive value of 80%. In summary, the available evidence is currently insufficient to determine the role of this variant in disease. Therefore, it has been classified as a Variant of Uncertain Significance.

Ambry Genetics
Classification: Uncertain significance for Inborn genetic diseases. Last evaluated: 2023-04-04. Review status: criteria provided, single submitter. Criteria: Ambry Variant Classification Scheme 2023. Collection method: clinical testing. Allele origin: germline.

NM_005585.5(SMAD6):c.1228A>G (p.Ile410Val)

Gene: SMAD6 (SMAD family member 6; plus strand). Cytogenetic location: 15q22.31.
Variant type: single nucleotide variant.
Coding change: c.1228A>G on transcript NM_005585.5 (MANE Select); coding-DNA position 1228, A replaced by G.
Protein change: p.Ile410Val; replaces isoleucine 410 with valine.
Molecular consequence: missense variant. On other transcripts: non-coding transcript variant (1).
Genome position (GRCh38, 1-based): chr15:66,781,272, A>G. VCF-style: chr15-66781272-A-G. GRCh37 (hg19) VCF-style: chr15-67073610-A-G.
Other names: short protein forms I410V.
Identifiers: ClinVar variation 2516364 (VCV002516364.3), dbSNP rs745560706, ClinGen allele CA7626761.
Genomic context (GRCh38, chr15:66,781,272, plus strand): 5'-GGCATCCTGCTCAGCAAGGAGCCCGACGGCGTGTGGGCCTACAACCGCGGCGAGCACCCC[A>G]TCTTCGTCAACTCCCCGACGCTGGACGCGCCCGGCGGCCGCGCCCTGGTCGTGCGCAAGG-3'
Protein context (NP_005576.3, residues 400-420): VWAYNRGEHP[Ile410Val]FVNSPTLDAP